The following is an entry in ClinVar:

NM_005708.5(GPC6):c.329G>A (p.Arg110Gln)

Genes: GPC6 (glypican 6; plus strand), GPC6-AS2 (GPC6 antisense RNA 2; minus strand). Cytogenetic location: 13q31.3.
Variant type: single nucleotide variant.
Coding change: c.329G>A on transcript NM_005708.5 (MANE Select); coding-DNA position 329, G replaced by A.
Protein change: p.Arg110Gln; replaces arginine 110 with glutamine.
Molecular consequence: missense variant.
Genome position (GRCh38, 1-based): chr13:93,830,163, G>A. VCF-style: chr13-93830163-G-A. GRCh37 (hg19) VCF-style: chr13-94482416-G-A.
Other names: c.329G>A (NM_005708.3); short protein forms R110Q.
Identifiers: ClinVar variation 1989448 (VCV001989448.2), dbSNP rs758758232, ClinGen allele CA7016845.

ClinVar aggregate classification (germline): Uncertain significance. Review status: criteria provided, multiple submitters, no conflicts (2 of 4 stars). 2 submissions from 2 submitters: Uncertain significance (2). Last evaluated 2024-06-07.

Conditions:
Inborn genetic diseases. Identifiers: MedGen C0950123, MeSH D030342.

Allele frequency attached by ClinVar (database versions not stated): ExAC 0.00003; gnomAD exomes 0.00004; TOPMed 0.00005.
gnomAD v4.1: 68 of 1,605,630 alleles (0.0042%); highest among the groups gnomAD compares: Admixed American, 0.0067%; no homozygotes.

Submissions (2):

Ambry Genetics
Classification: Uncertain significance for Inborn genetic diseases. Last evaluated: 2024-06-07. Review status: criteria provided, single submitter. Criteria: Ambry Variant Classification Scheme 2023. Collection method: clinical testing. Allele origin: germline.

Labcorp Genetics (formerly Invitae), Labcorp
Classification: Uncertain significance. Last evaluated: 2022-05-05. Review status: criteria provided, single submitter. Criteria: Invitae Variant Classification Sherloc (09022015). Collection method: clinical testing. Allele origin: germline.
Comment: This sequence change replaces arginine, which is basic and polar, with glutamine, which is neutral and polar, at codon 110 of the GPC6 protein (p.Arg110Gln). This variant is present in population databases (rs758758232, gnomAD 0.009%). This variant has not been reported in the literature in individuals affected with GPC6-related conditions. Algorithms developed to predict the effect of missense changes on protein structure and function (SIFT, PolyPhen-2, Align-GVGD) all suggest that this variant is likely to be tolerated. In summary, the available evidence is currently insufficient to determine the role of this variant in disease. Therefore, it has been classified as a Variant of Uncertain Significance.